The following is an entry in ClinVar:

ClinVar aggregate classification (germline): Conflicting classifications of pathogenicity. Review status: criteria provided, conflicting classifications (1 of 4 stars). 2 submissions from 2 submitters: Uncertain significance (1); Likely benign (1). Last evaluated 2026-02-01.

Allele frequency attached by ClinVar (database versions not stated): ESP Exome Variant Server 0.00023; ExAC 0.00026; gnomAD exomes 0.00027; TOPMed 0.00028; gnomAD 0.00030 and 0.00034.
gnomAD v4.1: 304 of 1,612,018 alleles (0.019%); highest among the groups gnomAD compares: African/African-American, 0.037%; 2 homozygotes.

Submissions (2):

Labcorp Genetics (formerly Invitae), Labcorp
Classification: Likely benign. Last evaluated: 2026-02-01. Review status: criteria provided, single submitter. Criteria: Invitae Variant Classification Sherloc (09022015). Collection method: clinical testing. Allele origin: germline.

GeneDx
Classification: Uncertain significance. Last evaluated: 2025-10-06. Review status: criteria provided, single submitter. Criteria: GeneDx Variant Classification Process June 2021. Collection method: clinical testing. Allele origin: germline. Affected: yes.
Comment: In silico analysis supports that this missense variant has a deleterious effect on protein structure/function; Has not been previously published as pathogenic or benign to our knowledge

NM_032620.4(GTPBP3):c.565C>T (p.Arg189Cys)

Gene: GTPBP3 (GTP binding protein 3, mitochondrial; plus strand). Cytogenetic location: 19p13.11.
Variant type: single nucleotide variant.
Coding change: c.565C>T on transcript NM_032620.4 (MANE Select); coding-DNA position 565, C replaced by T.
Protein change: p.Arg189Cys; replaces arginine 189 with cysteine.
Molecular consequence: missense variant.
Genome position (GRCh38, 1-based): chr19:17,338,715, C>T. VCF-style: chr19-17338715-C-T. GRCh37 (hg19) VCF-style: chr19-17449524-C-T.
Other names: c.565C>T, p.Arg189Cys (NM_001128855.3, NM_133644.4); c.631C>T, p.Arg211Cys (NM_001195422.1); short protein forms R211C, R189C.
Identifiers: ClinVar variation 1344939 (VCV001344939.9), dbSNP rs141865220, ClinGen allele CA9293390.